The following is an entry in ClinVar:

ClinVar aggregate classification (germline): Benign/Likely benign. Review status: criteria provided, multiple submitters, no conflicts (2 of 4 stars). 2 submissions from 2 submitters: Benign (1); Likely benign (1). Last evaluated 2021-05-24.

Conditions:
Episodic ataxia type 1 (EA1). Also called: ATAXIA, EPISODIC, WITH MYOKYMIA; MYOKYMIA WITH PERIODIC ATAXIA; PAROXYSMAL ATAXIA WITH NEUROMYOTONIA, HEREDITARY; Episodic ataxia/myokymia syndrome. Identifiers: Orphanet 37612, Orphanet 972, MedGen C1719788, MONDO:0008047, OMIM 160120.

Allele frequency attached by ClinVar (database versions not stated): 1000 Genomes Project 0.00739; gnomAD 0.00808 and 0.00881; 1000 Genomes Project 30x 0.00843; TOPMed 0.00905.

Submissions (2):

GeneDx
Classification: Likely benign. Last evaluated: 2021-05-24. Review status: criteria provided, single submitter. Criteria: GeneDx Variant Classification Process June 2021. Collection method: clinical testing. Allele origin: germline. Affected: yes.
Comment: See Variant Classification Assertion Criteria.

Illumina Laboratory Services, Illumina
Classification: Benign for Episodic ataxia type 1. Last evaluated: 2018-01-12. Review status: criteria provided, single submitter. Criteria: ICSL Variant Classification Criteria 13 December 2019. Collection method: clinical testing. Allele origin: germline.
Comment: This variant was observed in the ICSL laboratory as part of a predisposition screen in an ostensibly healthy population. It had not been previously curated by ICSL or reported in the Human Gene Mutation Database (HGMD: prior to June 1st, 2018), and was therefore a candidate for classification through an automated scoring system. Utilizing variant allele frequency, disease prevalence and penetrance estimates, and inheritance mode, an automated score was calculated to assess if this variant is too frequent to cause the disease. Based on the score and internal cut-off values, a variant classified as benign is not then subjected to further curation. The score for this variant resulted in a classification of benign for this disease.

NM_000217.3(KCNA1):c.*2123A>G

Gene: KCNA1 (potassium voltage-gated channel subfamily A member 1; plus strand). Cytogenetic location: 12p13.32.
Variant type: single nucleotide variant.
Coding change: c.*2123A>G on transcript NM_000217.3 (MANE Select); 2123 bases downstream of the stop codon, A replaced by G.
Molecular consequence: 3 prime UTR variant.
Genome position (GRCh38, 1-based): chr12:4,914,989, A>G. VCF-style: chr12-4914989-A-G. GRCh37 (hg19) VCF-style: chr12-5024155-A-G.
Identifiers: ClinVar variation 309181 (VCV000309181.7), dbSNP rs77647135, ClinGen allele CA10637707.